The following is an entry in ClinVar:

ClinVar aggregate classification (germline): Uncertain significance (1 of 4 stars; one submission).

Allele frequency attached by ClinVar (database versions not stated): gnomAD exomes 0.00001; TOPMed 0.00001.
gnomAD v4.1: 10 of 1,611,584 alleles (0.00062%); highest among the groups gnomAD compares: Middle Eastern, 0.05%; no homozygotes.

Submission:

Labcorp Genetics (formerly Invitae), Labcorp
Classification: Uncertain significance. Last evaluated: 2023-10-03. Review status: criteria provided, single submitter. Criteria: Invitae Variant Classification Sherloc (09022015). Collection method: clinical testing. Allele origin: germline.
Comment: This sequence change replaces proline, which is neutral and non-polar, with leucine, which is neutral and non-polar, at codon 469 of the PLK4 protein (p.Pro469Leu). This variant is not present in population databases (gnomAD no frequency). This variant has not been reported in the literature in individuals affected with PLK4-related conditions. ClinVar contains an entry for this variant (Variation ID: 942385). Algorithms developed to predict the effect of missense changes on protein structure and function output the following: SIFT: "Not Available"; PolyPhen-2: "Benign"; Align-GVGD: "Not Available". The leucine amino acid residue is found in multiple mammalian species, which suggests that this missense change does not adversely affect protein function. In summary, the available evidence is currently insufficient to determine the role of this variant in disease. Therefore, it has been classified as a Variant of Uncertain Significance.

NM_014264.5(PLK4):c.1406C>T (p.Pro469Leu)

Gene: PLK4 (polo like kinase 4; plus strand). Cytogenetic location: 4q28.1.
Variant type: single nucleotide variant.
Coding change: c.1406C>T on transcript NM_014264.5 (MANE Select); coding-DNA position 1406, C replaced by T.
Protein change: p.Pro469Leu; replaces proline 469 with leucine.
Molecular consequence: missense variant.
Genome position (GRCh38, 1-based): chr4:127,887,443, C>T. VCF-style: chr4-127887443-C-T. GRCh37 (hg19) VCF-style: chr4-128808598-C-T.
Other names: c.1310C>T, p.Pro437Leu (NM_001190799.2); c.1283C>T, p.Pro428Leu (NM_001190801.2); short protein forms P428L, P469L, P437L.
Identifiers: ClinVar variation 942385 (VCV000942385.6), dbSNP rs1019018535, ClinGen allele CA105637558.